The following is an entry in ClinVar:

ClinVar aggregate classification (germline): Likely benign (0 of 4 stars; one submission).

Conditions:
TECR-related disorder. Also called: TECR-related condition.

Allele frequency attached by ClinVar (database versions not stated): gnomAD exomes below 0.00001; TOPMed 0.00001.

Submission:

PreventionGenetics, part of Exact Sciences
Classification: Likely benign for TECR-related condition. Last evaluated: 2019-04-17. Review status: no assertion criteria provided. Collection method: clinical testing. Allele origin: germline.
Comment: This variant is classified as likely benign based on ACMG/AMP sequence variant interpretation guidelines (Richards et al. 2015 PMID: 25741868, with internal and published modifications).

NM_138501.6(TECR):c.754-6C>T

Gene: TECR (trans-2,3-enoyl-CoA reductase; plus strand). Cytogenetic location: 19p13.12.
Variant type: single nucleotide variant.
Coding change: c.754-6C>T on transcript NM_138501.6 (MANE Select); 6 bases into the intron before coding-DNA position 754, C replaced by T.
Molecular consequence: intron variant.
Genome position (GRCh38, 1-based): chr19:14,565,612, C>T. VCF-style: chr19-14565612-C-T. GRCh37 (hg19) VCF-style: chr19-14676424-C-T.
Other names: c.799-6C>T (NM_001321170.1).
Identifiers: ClinVar variation 3059960 (VCV003059960.2), dbSNP rs1220920046, ClinGen allele CA631908927.